The following is an entry in ClinVar:

NM_001112741.2(KCNC1):c.665C>T (p.Thr222Met)

Gene: KCNC1 (potassium voltage-gated channel subfamily C member 1; plus strand). Cytogenetic location: 11p15.1.
Variant type: single nucleotide variant.
Coding change: c.665C>T on transcript NM_001112741.2 (MANE Select); coding-DNA position 665, C replaced by T.
Protein change: p.Thr222Met; replaces threonine 222 with methionine.
Molecular consequence: missense variant.
Genome position (GRCh38, 1-based): chr11:17,771,759, C>T. VCF-style: chr11-17771759-C-T. GRCh37 (hg19) VCF-style: chr11-17793306-C-T.
Other names: c.665C>T (NM_001112741.1); c.665C>T, p.Thr222Met (NM_004976.4); short protein forms T222M.
Identifiers: ClinVar variation 2788269 (VCV002788269.4), dbSNP rs1167748453, ClinGen allele CA379805758.

ClinVar aggregate classification (germline): Uncertain significance. Review status: criteria provided, multiple submitters, no conflicts (2 of 4 stars). 2 submissions from 2 submitters: Uncertain significance (2). Last evaluated 2024-08-19.

Conditions:
Progressive myoclonic epilepsy type 7. Identifiers: Orphanet 435438, MedGen C4015420, MONDO:0014521, OMIM 616187.

Allele frequency attached by ClinVar (database versions not stated): gnomAD exomes below 0.00001; gnomAD 0.00001.
gnomAD v4.1: 5 of 1,614,132 alleles (0.00031%); highest among the groups gnomAD compares: East Asian, 0.0022%; no homozygotes.

Submissions (2):

Labcorp Genetics (formerly Invitae), Labcorp
Classification: Uncertain significance for Progressive myoclonic epilepsy type 7. Last evaluated: 2024-08-19. Review status: criteria provided, single submitter. Criteria: Invitae Variant Classification Sherloc (09022015). Collection method: clinical testing. Allele origin: germline.
Comment: This sequence change replaces threonine, which is neutral and polar, with methionine, which is neutral and non-polar, at codon 222 of the KCNC1 protein (p.Thr222Met). This variant is present in population databases (no rsID available, gnomAD 0.06%). This variant has not been reported in the literature in individuals affected with KCNC1-related conditions. Invitae Evidence Modeling of protein sequence and biophysical properties (such as structural, functional, and spatial information, amino acid conservation, physicochemical variation, residue mobility, and thermodynamic stability) indicates that this missense variant is expected to disrupt KCNC1 protein function with a positive predictive value of 95%. In summary, the available evidence is currently insufficient to determine the role of this variant in disease. Therefore, it has been classified as a Variant of Uncertain Significance.

GeneDx
Classification: Uncertain significance. Last evaluated: 2024-02-09. Review status: criteria provided, single submitter. Criteria: GeneDx Variant Classification Process June 2021. Collection method: clinical testing. Allele origin: germline. Affected: yes.
Comment: In silico analysis supports that this missense variant has a deleterious effect on protein structure/function; Has not been previously published as pathogenic or benign to our knowledge